The following is an entry in ClinVar:

NM_001369.3(DNAH5):c.9549G>A (p.Gln3183=)

Gene: DNAH5 (dynein axonemal heavy chain 5; minus strand). Cytogenetic location: 5p15.2.
Variant type: single nucleotide variant.
Coding change: c.9549G>A on transcript NM_001369.3 (MANE Select); coding-DNA position 9549, G replaced by A.
Protein change: p.Gln3183=; no amino-acid change (glutamine 3183 retained).
Molecular consequence: synonymous variant.
Genome position (GRCh38, 1-based): chr5:13,770,805, C>T on the plus strand (G>A on the coding strand, the complement: DNAH5 is on the minus strand). VCF-style: chr5-13770805-C-T. GRCh37 (hg19) VCF-style: chr5-13770914-C-T.
Identifiers: ClinVar variation 698059 (VCV000698059.20), dbSNP rs147865593, ClinGen allele CA3202522.
Genomic context (GRCh38, chr5:13,770,805, plus strand): 5'-TTACCTGTTGGCCAGGGTCCGCACCTCCACATGCTTTTCTCCATATATGAACTTATAGCC[C>T]TGAATAAAGGAGAGGTATGATTTGGGCGTCACGTGGGTAGAACGTCGGAATCTCTGAAAA-3'
Protein context (NP_001360.1, residues 3173-3193): VTPKSYLSFI[Gln3183=]GYKFIYGEKH

ClinVar aggregate classification (germline): Conflicting classifications of pathogenicity. Review status: criteria provided, conflicting classifications (1 of 4 stars). 5 submissions from 5 submitters: Uncertain significance (1); Likely benign (2). 2 of the submissions do not count toward it. Last evaluated 2025-06-23.

Conditions:
Primary ciliary dyskinesia. Also called: Ciliary dyskinesia. Identifiers: Orphanet 244, MedGen C0008780, MONDO:0016575, HP:0012265.
Primary ciliary dyskinesia 3. Identifiers: Orphanet 244, MedGen C1837618, MONDO:0012085, OMIM 608644.
DNAH5-related disorder. Also called: DNAH5-related condition.

Allele frequency attached by ClinVar (database versions not stated): gnomAD exomes 0.00003 and 0.00006; ExAC 0.00007; gnomAD 0.00027 and 0.00031; TOPMed 0.00035; ESP Exome Variant Server 0.00038.
gnomAD v4.1: 84 of 1,613,948 alleles (0.0052%); highest among the groups gnomAD compares: African/African-American, 0.11%; no homozygotes.

Submissions (5):

Labcorp Genetics (formerly Invitae), Labcorp
Classification: Likely benign for Primary ciliary dyskinesia. Last evaluated: 2025-06-23. Review status: criteria provided, single submitter. Criteria: Invitae Variant Classification Sherloc (09022015). Collection method: clinical testing. Allele origin: germline.

Ambry Genetics
Classification: Likely benign for Primary ciliary dyskinesia. Last evaluated: 2021-05-25. Review status: criteria provided, single submitter. Criteria: Ambry Variant Classification Scheme 2023. Collection method: clinical testing. Allele origin: germline.

Illumina Laboratory Services, Illumina
Classification: Uncertain significance for Primary ciliary dyskinesia 3. Last evaluated: 2018-01-12. Review status: criteria provided, single submitter. Criteria: ICSL Variant Classification Criteria 13 December 2019. Collection method: clinical testing. Allele origin: germline.

PreventionGenetics, part of Exact Sciences
Classification: Likely benign for DNAH5-related condition. Last evaluated: 2022-05-03. Review status: no assertion criteria provided. Collection method: clinical testing. Allele origin: germline. Not counted in ClinVar's aggregate classification.
Comment: This variant is classified as likely benign based on ACMG/AMP sequence variant interpretation guidelines (Richards et al. 2015 PMID: 25741868, with internal and published modifications).

Natera, Inc.
Classification: Uncertain significance for Primary ciliary dyskinesia. Last evaluated: 2020-01-11. Review status: no assertion criteria provided. Collection method: clinical testing. Allele origin: germline. Not counted in ClinVar's aggregate classification.